The following is an entry in ClinVar:

NM_001211.6(BUB1B):c.1093A>T (p.Ile365Phe)

Gene: BUB1B (BUB1 mitotic checkpoint serine/threonine kinase B; plus strand). Cytogenetic location: 15q15.1.
Variant type: single nucleotide variant.
Coding change: c.1093A>T on transcript NM_001211.6 (MANE Select); coding-DNA position 1093, A replaced by T.
Protein change: p.Ile365Phe; replaces isoleucine 365 with phenylalanine.
Molecular consequence: missense variant.
Genome position (GRCh38, 1-based): chr15:40,196,579, A>T. VCF-style: chr15-40196579-A-T. GRCh37 (hg19) VCF-style: chr15-40488780-A-T.
Other names: short protein forms I365F.
Identifiers: ClinVar variation 1789921 (VCV001789921.2), dbSNP rs2542550301, ClinGen allele CA391686993.
Genomic context (GRCh38, chr15:40,196,579, plus strand): 5'-GAATAATAGTAATTTTGCTTCTTTAGGACACCATGTAAAATTGAACCTAGTATAAACCAC[A>T]TCCTAAGCACCAGAAAGCCTGGAAAGGAAGAAGGAGATCCTCTACAAAGGGTTCAGAGCC-3'
Protein context (NP_001202.5, residues 355-375): PCKIEPSINH[Ile365Phe]LSTRKPGKEE

ClinVar aggregate classification (germline): Uncertain significance (1 of 4 stars; one submission).

Conditions:
Inborn genetic diseases. Identifiers: MedGen C0950123, MeSH D030342.

Submission:

Ambry Genetics
Classification: Uncertain significance for Inborn genetic diseases. Last evaluated: 2021-10-08. Review status: criteria provided, single submitter. Criteria: Ambry Variant Classification Scheme 2023. Collection method: clinical testing. Allele origin: germline.
Comment: The p.I365F variant (also known as c.1093A>T), located in coding exon 9 of the BUB1B gene, results from an A to T substitution at nucleotide position 1093. The isoleucine at codon 365 is replaced by phenylalanine, an amino acid with highly similar properties. This amino acid position is conserved. In addition, this alteration is predicted to be tolerated by in silico analysis. Since supporting evidence is limited at this time, the clinical significance of this alteration remains unclear.